The following is an entry in ClinVar:

ClinVar aggregate classification (germline): Pathogenic. Review status: criteria provided, multiple submitters, no conflicts (2 of 4 stars). 2 submissions from 2 submitters: Pathogenic (2). Last evaluated 2021-04-03.

Submissions (2):

Labcorp Genetics (formerly Invitae), Labcorp
Classification: Pathogenic. Last evaluated: 2021-04-03. Review status: criteria provided, single submitter. Criteria: Invitae Variant Classification Sherloc (09022015). Collection method: clinical testing. Allele origin: germline.
Comment: For these reasons, this variant has been classified as Pathogenic. This variant has not been reported in the literature in individuals with EPHB4-related conditions. ClinVar contains an entry for this variant (Variation ID: 993868). This variant is not present in population databases (ExAC no frequency). This sequence change creates a premature translational stop signal (p.Val202Glufs*20) in the EPHB4 gene. It is expected to result in an absent or disrupted protein product. Loss-of-function variants in EPHB4 are known to be pathogenic (PMID: 28687708).

ARUP Laboratories, Molecular Genetics and Genomics, ARUP Laboratories
Classification: Pathogenic. Last evaluated: 2019-12-16. Review status: criteria provided, single submitter. Criteria: ARUP Molecular Germline Variant Investigation Process. Collection method: clinical testing. Allele origin: germline.
Comment: The EPHB4 c.605_606delTG; p.Val202fs variant, to our knowledge, is not reported in the medical literature or gene specific databases. This variant is also absent from general population databases (Exome Variant Server, Genome Aggregation Database), indicating it is not a common polymorphism. This variant causes a frameshift by deleting 2 nucleotides, so it is predicted to result in a truncated protein or mRNA subject to nonsense-mediated decay. Additionally, several downstream truncating variants have been described in individuals with vascular malformations and are considered pathogenic (Amyere 2017, Wooderchak-Donahue 2019). Based on available information, the p.Val202fs variant is considered to be pathogenic. References: Amyere M et al. Germline Loss-of-Function Mutations in EPHB4 Cause a Second Form of Capillary Malformation-Arteriovenous Malformation (CM-AVM2) Deregulating RAS-MAPK Signaling. Circulation. 2017 Sep 12;136(11):1037-1048. Wooderchak-Donahue WL et al. Phenotype of CM-AVM2 caused by variants in EPHB4: how much overlap with hereditary hemorrhagic telangiectasia (HHT)? Genet Med. 2019 Feb 14.

Literature cited by the submitters: PubMed 28687708 (cited by Labcorp Genetics (formerly Invitae), Labcorp).

NM_004444.5(EPHB4):c.605_606del (p.Val202fs)

Gene: EPHB4 (EPH receptor B4; minus strand). Cytogenetic location: 7q22.1.
Variant type: Microsatellite.
Coding change: c.605_606del on transcript NM_004444.5 (MANE Select); coding-DNA positions 605 to 606, 2 bases deleted (TG; older notation c.605_606delTG).
Protein change: p.Val202fs; shifts the reading frame from valine 202.
Molecular consequence: frameshift variant.
Genome position (GRCh38, 1-based): chr7:100,822,473-100,822,474, CA deleted on the plus strand (TG on the coding strand, the reverse complement: EPHB4 is on the minus strand); deleting any 2 consecutive bases within chr7:100,822,473-100,822,476 gives the same sequence; the c. name uses the placement nearest the transcript's 3' end. VCF-style (leftmost placement, unchanged base first): chr7-100822472-TCA-T. GRCh37 (hg19) VCF-style: chr7-100420094-TCA-T.
Other names: short protein forms V202fs.
Identifiers: ClinVar variation 993868 (VCV000993868.14), dbSNP rs1813260006, ClinGen allele CA1729511993.